The following is an entry in ClinVar:

NM_181882.3(PRX):c.1914G>A (p.Glu638=)

Gene: PRX (periaxin; minus strand). Cytogenetic location: 19q13.2.
Variant type: single nucleotide variant.
Coding change: c.1914G>A on transcript NM_181882.3 (MANE Select); coding-DNA position 1914, G replaced by A.
Protein change: p.Glu638=; no amino-acid change (glutamic acid 638 retained).
Molecular consequence: synonymous variant. On other transcripts: 3 prime UTR variant (1).
Genome position (GRCh38, 1-based): chr19:40,396,438, C>T on the plus strand (G>A on the coding strand, the complement: PRX is on the minus strand). VCF-style: chr19-40396438-C-T. GRCh37 (hg19) VCF-style: chr19-40902345-C-T.
Other names: c.2199G>A, p.Glu733= (NM_001411127.1); c.*2119G>A (NM_020956.2).
Identifiers: ClinVar variation 3711195 (VCV003711195.15).
Genomic context (GRCh38, chr19:40,396,438, plus strand): 5'-CTGCACTTCCGGGAGGTGCACATCGGGCACAGCCATCTCGGGCACCTTCGGGAGTTTCAC[C>T]TCAGGGAGTTTCATCTCAGGGAGCTTCATCTCTGGGACTTTTGGAAGCTGCACTTCTGGG-3'
Protein context (NP_870998.2, residues 628-648): EMKLPEMKLP[Glu638=]VKLPKVPEMA

ClinVar aggregate classification (germline): Likely benign. Review status: criteria provided, multiple submitters, no conflicts (2 of 4 stars). 2 submissions from 2 submitters: Likely benign (2). Last evaluated 2025-06-11.

Conditions:
Charcot-Marie-Tooth disease type 4. Also called: Charcot-Marie-Tooth, Type 4; Charcot-Marie-Tooth disease, type IV. Identifiers: Orphanet 64749, MedGen C4082197, MONDO:0018995.

Submissions (2):

Labcorp Genetics (formerly Invitae), Labcorp
Classification: Likely benign for Charcot-Marie-Tooth disease type 4. Last evaluated: 2025-06-11. Review status: criteria provided, single submitter. Criteria: Invitae Variant Classification Sherloc (09022015). Collection method: clinical testing. Allele origin: germline.

CeGaT Center for Human Genetics Tuebingen
Classification: Likely benign. Last evaluated: 2025-02-01. Review status: criteria provided, single submitter. Criteria: CeGaT Center For Human Genetics Tuebingen Variant Classification Criteria Version 2. Collection method: clinical testing. Allele origin: germline. Affected: yes. Observed: 1 variant allele.
Comment: PRX: BP4, BP7